The following is an entry in ClinVar:

ClinVar aggregate classification (germline): Uncertain significance. Review status: criteria provided, multiple submitters, no conflicts (2 of 4 stars). 2 submissions from 2 submitters: Uncertain significance (2). Last evaluated 2026-02-11.

Conditions:
Inborn genetic diseases. Identifiers: MedGen C0950123, MeSH D030342.
Van Maldergem syndrome 2 (VMLDS2). Identifiers: Orphanet 314679, MedGen C3809875, MONDO:0014242, OMIM 615546.
Hennekam lymphangiectasia-lymphedema syndrome 2 (HKLLS2). Identifiers: Orphanet 2136, MedGen C4014939, MONDO:0014454, OMIM 616006.

Allele frequency attached by ClinVar (database versions not stated): gnomAD exomes 0.00001; TOPMed 0.00002; gnomAD 0.00003.
gnomAD v4.1: 20 of 1,613,806 alleles (0.0012%); highest among the groups gnomAD compares: Non-Finnish European, 0.001%; no homozygotes.

Submissions (2):

Clinical Genomics Laboratory, Washington University in St. Louis
Classification: Uncertain significance for Van Maldergem syndrome 2; Hennekam lymphangiectasia-lymphedema syndrome 2. Last evaluated: 2026-02-11. Review status: criteria provided, single submitter. Criteria: ACMG Guidelines, 2015. Collection method: clinical testing. Allele origin: germline.
Comment: A FAT4 c.13192A>T (p.Ile4398Phe) variant was identified at a near heterozygous allelic fraction of 48.2%, a frequency which may be consistent with germline origin. This variant, to our knowledge, has not been reported in the medical literature. It has been reported in the ClinVar database as a germline variant of uncertain significance by one submitter (Variation ID: 2617739). It is only observed on 20/1,613,806 alleles in the general population (gnomAD v4.1.0), indicating it is not a common variant. Computational predictors are uncertain as to the impact of this variant on FAT4 function. Due to limited information and based on the ACMG/AMP guidelines for variant interpretation (Richards S et al., PMID: 25741868), the clinical significance of this variant is uncertain at this time.

Ambry Genetics
Classification: Uncertain significance for Inborn genetic diseases. Last evaluated: 2023-08-10. Review status: criteria provided, single submitter. Criteria: Ambry Variant Classification Scheme 2023. Collection method: clinical testing. Allele origin: germline.

Literature cited by the submitters: uncertain (cited by Clinical Genomics Laboratory, Washington University in St. Louis).

NM_001291303.3(FAT4):c.13192A>T (p.Ile4398Phe)

Gene: FAT4 (FAT atypical cadherin 4; plus strand). Cytogenetic location: 4q28.1.
Variant type: single nucleotide variant.
Coding change: c.13192A>T on transcript NM_001291303.3 (MANE Select); coding-DNA position 13192, A replaced by T.
Protein change: p.Ile4398Phe; replaces isoleucine 4398 with phenylalanine.
Molecular consequence: missense variant.
Genome position (GRCh38, 1-based): chr4:125,490,008, A>T. VCF-style: chr4-125490008-A-T. GRCh37 (hg19) VCF-style: chr4-126411163-A-T.
Other names: c.13189A>T, p.Ile4397Phe (NM_001291285.3); c.13186A>T, p.Ile4396Phe (NM_024582.6); short protein forms I4396F, I4397F, I4398F.
Identifiers: ClinVar variation 2617739 (VCV002617739.3), dbSNP rs948169880, ClinGen allele CA104875844.